The following is an entry in ClinVar:

ClinVar aggregate classification (germline): Benign. Review status: criteria provided, multiple submitters, no conflicts (2 of 4 stars). 2 submissions from 2 submitters: Benign (2). Last evaluated 2018-01-12.

Conditions:
Nicolaides-Baraitser syndrome (NCBRS). Also called: SMARCA2-Related Nicolaides-Baraitser Syndrome; Intellectual disability-sparse hair-brachydactyly syndrome. Identifiers: Orphanet 3051, MedGen C1303073, MONDO:0011053, OMIM 601358.

Allele frequency attached by ClinVar (database versions not stated): 1000 Genomes Project 0.01877; 1000 Genomes Project 30x 0.01889; gnomAD 0.03446 and 0.03565; TOPMed 0.03539; gnomAD exomes 0.03917.
gnomAD v4.1: 5,348 of 152,778 alleles (3.5%); highest among the groups gnomAD compares: Middle Eastern, 13%; 128 homozygotes.

Submissions (2):

Illumina Laboratory Services, Illumina
Classification: Benign for Nicolaides-Baraitser syndrome. Last evaluated: 2018-01-12. Review status: criteria provided, single submitter. Criteria: ICSL Variant Classification Criteria 13 December 2019. Collection method: clinical testing. Allele origin: germline.
Comment: This variant was observed in the ICSL laboratory as part of a predisposition screen in an ostensibly healthy population. It had not been previously curated by ICSL or reported in the Human Gene Mutation Database (HGMD: prior to June 1st, 2018), and was therefore a candidate for classification through an automated scoring system. Utilizing variant allele frequency, disease prevalence and penetrance estimates, and inheritance mode, an automated score was calculated to assess if this variant is too frequent to cause the disease. Based on the score and internal cut-off values, a variant classified as benign is not then subjected to further curation. The score for this variant resulted in a classification of benign for this disease.

Breakthrough Genomics
Classification: Benign. Review status: criteria provided, single submitter. Criteria: ACMG Guidelines, 2015. Collection method: not provided. Allele origin: germline. Inheritance: Autosomal dominant inheritance. Affected: yes.

NM_003070.5(SMARCA2):c.*698T>C

Gene: SMARCA2 (SWI/SNF related BAF chromatin remodeling complex subunit ATPase 2; plus strand). Cytogenetic location: 9p24.3.
Variant type: single nucleotide variant.
Coding change: c.*698T>C on transcript NM_003070.5 (MANE Select); 698 bases downstream of the stop codon, T replaced by C.
Molecular consequence: 3 prime UTR variant.
Genome position (GRCh38, 1-based): chr9:2,193,437, T>C. VCF-style: chr9-2193437-T-C. GRCh37 (hg19) VCF-style: chr9-2193437-T-C.
Other names: c.*698T>C (NM_001289396.2, NM_001289397.2, NM_001289398.2 and 3 more transcripts).
Identifiers: ClinVar variation 366341 (VCV000366341.6), dbSNP rs45616134, ClinGen allele CA10633621.
Genomic context (GRCh38, chr9:2,193,437, plus strand): 5'-AAGTTTTGTTGAAAGCGCTATTGAATATTGCAATCTATATAGTGTATTGGATGGCTTCTT[T>C]TGTCACCCTGATCTCCTATGTTACCAATGTGTATCGTCTCCTTCTCCCTAAAGTGTACTT-3'